The following is an entry in ClinVar:

ClinVar aggregate classification (germline): Conflicting classifications of pathogenicity. Review status: criteria provided, conflicting classifications (1 of 4 stars). 5 submissions from 5 submitters: Uncertain significance (2); Likely benign (1). 2 of the submissions do not count toward it. Last evaluated 2024-10-04.

Conditions:
Bardet-Biedl syndrome (BBS). Identifiers: Orphanet 110, MedGen C0752166, MONDO:0015229.
BBS12-related disorder. Also called: BBS12-related condition.
Bardet-Biedl syndrome 12 (BBS12). Identifiers: Orphanet 110, MedGen C1859570, MONDO:0014440, OMIM 615989.

Allele frequency attached by ClinVar (database versions not stated): gnomAD exomes 0.00008 and 0.00034; gnomAD 0.00011; ExAC 0.00012; TOPMed 0.00015; ESP Exome Variant Server 0.00031.
gnomAD v4.1: 512 of 1,613,788 alleles (0.032%); highest among the groups gnomAD compares: Non-Finnish European, 0.041%; no homozygotes.

Submissions (5):

Blueprint Genetics
Classification: Likely benign. Last evaluated: 2024-10-04. Review status: criteria provided, single submitter. Criteria: ACMG Guidelines, 2015. Collection method: clinical testing. Allele origin: germline.

Fulgent Genetics
Classification: Uncertain significance for Bardet-Biedl syndrome 12. Last evaluated: 2024-05-02. Review status: criteria provided, single submitter. Criteria: ACMG Guidelines, 2015. Collection method: clinical testing. Allele origin: germline.

Labcorp Genetics (formerly Invitae), Labcorp
Classification: Uncertain significance for Bardet-Biedl syndrome. Last evaluated: 2022-07-06. Review status: criteria provided, single submitter. Criteria: Invitae Variant Classification Sherloc (09022015). Collection method: clinical testing. Allele origin: germline.
Comment: This sequence change replaces valine, which is neutral and non-polar, with alanine, which is neutral and non-polar, at codon 115 of the BBS12 protein (p.Val115Ala). This variant is present in population databases (rs144179606, gnomAD 0.02%). This variant has not been reported in the literature in individuals affected with BBS12-related conditions. ClinVar contains an entry for this variant (Variation ID: 855109). Algorithms developed to predict the effect of missense changes on protein structure and function output the following: SIFT: "Deleterious"; PolyPhen-2: "Benign"; Align-GVGD: "Class C0". The alanine amino acid residue is found in multiple mammalian species, which suggests that this missense change does not adversely affect protein function. In summary, the available evidence is currently insufficient to determine the role of this variant in disease. Therefore, it has been classified as a Variant of Uncertain Significance.

PreventionGenetics, part of Exact Sciences
Classification: Uncertain significance for BBS12-related condition. Last evaluated: 2024-03-27. Review status: no assertion criteria provided. Collection method: clinical testing. Allele origin: germline. Not counted in ClinVar's aggregate classification.
Comment: The BBS12 c.344T>C variant is predicted to result in the amino acid substitution p.Val115Ala. To our knowledge, this variant has not been reported in the literature. This variant is reported in 0.018% of alleles in individuals of European (Non-Finnish) descent in gnomAD. At this time, the clinical significance of this variant is uncertain due to the absence of conclusive functional and genetic evidence.

Natera, Inc.
Classification: Uncertain significance for Bardet-Biedl syndrome type 12. Last evaluated: 2020-01-17. Review status: no assertion criteria provided. Collection method: clinical testing. Allele origin: germline. Not counted in ClinVar's aggregate classification.

NM_152618.3(BBS12):c.344T>C (p.Val115Ala)

Gene: BBS12 (Bardet-Biedl syndrome 12; plus strand). Cytogenetic location: 4q27.
Variant type: single nucleotide variant.
Coding change: c.344T>C on transcript NM_152618.3 (MANE Select); coding-DNA position 344, T replaced by C.
Protein change: p.Val115Ala; replaces valine 115 with alanine.
Molecular consequence: missense variant.
Genome position (GRCh38, 1-based): chr4:122,742,236, T>C. VCF-style: chr4-122742236-T-C. GRCh37 (hg19) VCF-style: chr4-123663391-T-C.
Other names: c.344T>C, p.Val115Ala (NM_001178007.2); short protein forms V115A.
Identifiers: ClinVar variation 855109 (VCV000855109.8), dbSNP rs144179606, ClinGen allele CA3069271.